The following is an entry in ClinVar:

NM_080732.4(EGLN2):c.1162C>A (p.Gln388Lys)

Genes: EGLN2 (egl-9 family hypoxia inducible factor 2; plus strand), RAB4B-EGLN2 (RAB4B-EGLN2 readthrough (NMD candidate); plus strand). Cytogenetic location: 19q13.2.
Variant type: single nucleotide variant.
Coding change: c.1162C>A on transcript NM_080732.4 (MANE Select); coding-DNA position 1162, C replaced by A.
Protein change: p.Gln388Lys; replaces glutamine 388 with lysine.
Molecular consequence: missense variant. On other transcripts: non-coding transcript variant (1).
Genome position (GRCh38, 1-based): chr19:40,807,545, C>A. VCF-style: chr19-40807545-C-A. GRCh37 (hg19) VCF-style: chr19-41313450-C-A.
Other names: c.1162C>A, p.Gln388Lys (NM_053046.4); short protein forms Q388K.
Identifiers: ClinVar variation 2449360 (VCV002449360.2), dbSNP rs771677442, ClinGen allele CA405956834.
Genomic context (GRCh38, chr19:40,807,545, plus strand): 5'-TACGCCATCACTGTCTGGTATTTTGATGCCAAGGAGCGGGCAGCAGCCAAAGACAAGTAT[C>A]AGCTAGGTACCTGCTTCCCTCCCTTCAGTCCTTCCTATTCTGTGGGCCCTCTTGGGCCTG-3'
Protein context (NP_542770.2, residues 378-398): KERAAAKDKY[Gln388Lys]LASGQKGVQV

ClinVar aggregate classification (germline): Uncertain significance (1 of 4 stars; one submission).

Submission:

Ambry Genetics
Classification: Uncertain significance. Last evaluated: 2022-12-16. Review status: criteria provided, single submitter. Criteria: Ambry Variant Classification Scheme 2023. Collection method: clinical testing. Allele origin: germline.
Comment: The p.Q388K variant (also known as c.1162C>A), located in coding exon 4 of the EGLN2 gene, results from a C to A substitution at nucleotide position 1162. The glutamine at codon 388 is replaced by lysine, an amino acid with similar properties. This amino acid position is conserved. In addition, this alteration is predicted to be tolerated by in silico analysis. Since supporting evidence is limited at this time, the clinical significance of this alteration remains unclear.